The following is an entry in ClinVar:

NM_007294.4(BRCA1):c.1436A>G (p.Glu479Gly)

Gene: BRCA1 (BRCA1 DNA repair associated; minus strand). Cytogenetic location: 17q21.31.
Variant type: single nucleotide variant.
Coding change: c.1436A>G on transcript NM_007294.4 (MANE Select); coding-DNA position 1436, A replaced by G.
Protein change: p.Glu479Gly; replaces glutamic acid 479 with glycine.
Molecular consequence: missense variant. On other transcripts: intron variant (137).
Genome position (GRCh38, 1-based): chr17:43,094,095, T>C on the plus strand (A>G on the coding strand, the complement: BRCA1 is on the minus strand). VCF-style: chr17-43094095-T-C. GRCh37 (hg19) VCF-style: chr17-41246112-T-C.
Other names: c.1223A>G, p.Glu408Gly (NM_001407571.1, NM_001407853.1, NM_001407894.1 and 9 more transcripts); c.1436A>G, p.Glu479Gly (NM_001407581.1, NM_001407582.1, NM_001407583.1 and 30 more transcripts); c.1433A>G, p.Glu478Gly (NM_001407587.1, NM_001407590.1, NM_001407591.1 and 22 more transcripts); c.1427A>G, p.Glu476Gly (NM_001407646.1, NM_001407647.1); c.1313A>G, p.Glu438Gly (NM_001407648.1, NM_001407664.1, NM_001407665.1 and 19 more transcripts); c.1310A>G, p.Glu437Gly (NM_001407649.1, NM_001407670.1, NM_001407671.1 and 11 more transcripts); c.1358A>G, p.Glu453Gly (NM_001407653.1, NM_001407654.1, NM_001407655.1 and 4 more transcripts); c.1355A>G, p.Glu452Gly (NM_001407659.1, NM_001407660.1, NM_001407661.1 and 1 more transcripts); and 40 more; short protein forms E479G, E432G, E390G, E412G, E437G, E452G, E351G, E476G.
Identifiers: ClinVar variation 819211 (VCV000819211.13), dbSNP rs1597876039, ClinGen allele CA10599171.
Genomic context (GRCh38, chr17:43,094,095, plus strand): 5'-GTGAGGGGACGCTCTTGTATTATCTGTGGCTCAGTAACAAATGCTCCTATAATTAGATTT[T>C]CAGTTACATGGCTTAAGTTGGGGAGGCTTGCCTTCTTCCGATAGGTTTTCCCAAATATTT-3'
Protein context (NP_009225.1, residues 469-489): ASLPNLSHVT[Glu479Gly]NLIIGAFVTE

ClinVar aggregate classification (germline): Conflicting classifications of pathogenicity. Review status: criteria provided, conflicting classifications (1 of 4 stars). 3 submissions from 3 submitters: Uncertain significance (2); Likely benign (1). Last evaluated 2023-03-23.

Conditions:
Hereditary cancer-predisposing syndrome. Also called: Tumor predisposition; Hereditary neoplastic syndrome; Neoplastic Syndromes, Hereditary; Hereditary Cancer Syndrome. Identifiers: Orphanet 140162, MedGen C0027672, MeSH D009386, MONDO:0015356.
Hereditary breast ovarian cancer syndrome. Also called: Hereditary breast and ovarian cancer syndrome (HBOC); Breast and ovarian cancer; BRCA1- and BRCA2-Associated Hereditary Breast and Ovarian Cancer; Hereditary breast and/or ovarian cancer syndrome; Hereditary breast and ovarian cancer syndrome; Hereditary breast and ovarian cancer. Identifiers: Orphanet 145, MedGen C0677776, MeSH D061325, MONDO:0003582. Disease mechanism: loss of function.

Allele frequency attached by ClinVar (database versions not stated): gnomAD exomes below 0.00001.

Submissions (3):

University of Washington Department of Laboratory Medicine, University of Washington
Classification: Likely benign for Hereditary cancer-predisposing syndrome. Last evaluated: 2023-03-23. Review status: criteria provided, single submitter. Criteria: Dines et al. (Genet Med. 2020). Collection method: curation. Allele origin: germline.
Comment: Missense variant in a coldspot region where missense variants are very unlikely to be pathogenic (PMID:31911673).

BRCA1 coldspot (exon 11 using historical exon numbering). Reclassification based on statistical prior probability

Labcorp Genetics (formerly Invitae), Labcorp
Classification: Uncertain significance for Hereditary breast ovarian cancer syndrome. Last evaluated: 2021-10-24. Review status: criteria provided, single submitter. Criteria: Invitae Variant Classification Sherloc (09022015). Collection method: clinical testing. Allele origin: germline.
Comment: This sequence change replaces glutamic acid with glycine at codon 479 of the BRCA1 protein (p.Glu479Gly). The glutamic acid residue is highly conserved and there is a moderate physicochemical difference between glutamic acid and glycine. This variant is not present in population databases (ExAC no frequency). Advanced modeling of protein sequence and biophysical properties (such as structural, functional, and spatial information, amino acid conservation, physicochemical variation, residue mobility, and thermodynamic stability) performed at Invitae indicates that this missense variant is not expected to disrupt BRCA1 protein function. This variant has not been reported in the literature in individuals affected with BRCA1-related conditions. ClinVar contains an entry for this variant (Variation ID: 819211). In summary, the available evidence is currently insufficient to determine the role of this variant in disease. Therefore, it has been classified as a Variant of Uncertain Significance.

Ambry Genetics
Classification: Uncertain significance for Hereditary cancer-predisposing syndrome. Last evaluated: 2021-05-03. Review status: criteria provided, single submitter. Criteria: Ambry Variant Classification Scheme 2023. Collection method: clinical testing. Allele origin: germline.
Comment: The p.E479G variant (also known as c.1436A>G), located in coding exon 9 of the BRCA1 gene, results from an A to G substitution at nucleotide position 1436. The glutamic acid at codon 479 is replaced by glycine, an amino acid with similar properties. This amino acid position is well conserved in available vertebrate species. In addition, this alteration is predicted to be deleterious by in silico analysis. Since supporting evidence is limited at this time, the clinical significance of this alteration remains unclear.